The following is an entry in ClinVar:

NM_001904.4(CTNNB1):c.493dup (p.Gln165fs)

Genes: CTNNB1 (catenin beta 1; plus strand), LOC126806658 (BRD4-independent group 4 enhancer GRCh37_chr3:41265899-41267098; plus strand). Cytogenetic location: 3p22.1.
Variant type: Duplication.
Coding change: c.493dup on transcript NM_001904.4 (MANE Select); coding-DNA position 493, one base duplicated (C; older notation c.493dupC).
Protein change: p.Gln165fs; shifts the reading frame from glutamine 165.
Molecular consequence: frameshift variant.
Genome position (GRCh38, 1-based): chr3:41,225,205, C duplicated; the last of 2 consecutive C bases (chr3:41,225,204-41,225,205); duplicating either gives the same sequence. VCF-style (leftmost placement, unchanged base first): chr3-41225203-A-AC. GRCh37 (hg19) VCF-style: chr3-41266694-A-AC.
Other names: c.493dup, p.Gln165fs (NM_001098209.2, NM_001098210.2); c.472dup, p.Gln158fs (NM_001330729.2); short protein forms Q158fs, Q165fs.
Identifiers: ClinVar variation 1456752 (VCV001456752.6), dbSNP rs2125621297, ClinGen allele CA2573136979.

ClinVar aggregate classification (germline): Pathogenic (1 of 4 stars; one submission).

Submission:

Labcorp Genetics (formerly Invitae), Labcorp
Classification: Pathogenic. Last evaluated: 2021-11-27. Review status: criteria provided, single submitter. Criteria: Invitae Variant Classification Sherloc (09022015). Collection method: clinical testing. Allele origin: germline.
Comment: For these reasons, this variant has been classified as Pathogenic. This variant has not been reported in the literature in individuals affected with CTNNB1-related conditions. This variant is not present in population databases (gnomAD no frequency). This sequence change creates a premature translational stop signal (p.Gln165Profs*5) in the CTNNB1 gene. It is expected to result in an absent or disrupted protein product. Loss-of-function variants in CTNNB1 are known to be pathogenic (PMID: 23033978, 24614104, 25326669, 26350204, 28575650).

Literature cited by the submitters: PubMed 23033978; PubMed 24614104; PubMed 25326669; PubMed 26350204; PubMed 28575650.